The following is an entry in ClinVar:

ClinVar aggregate classification (germline): Conflicting classifications of pathogenicity. Review status: criteria provided, conflicting classifications (1 of 4 stars). 2 submissions from 2 submitters: Pathogenic (1); Uncertain significance (1). Last evaluated 2024-09-15.

Allele frequency attached by ClinVar (database versions not stated): gnomAD exomes below 0.00001.

Submissions (2):

Labcorp Genetics (formerly Invitae), Labcorp
Classification: Pathogenic. Last evaluated: 2024-09-15. Review status: criteria provided, single submitter. Criteria: Invitae Variant Classification Sherloc (09022015). Collection method: clinical testing. Allele origin: germline.
Comment: This sequence change creates a premature translational stop signal (p.Gly191Argfs*83) in the PYCR1 gene. While this is not anticipated to result in nonsense mediated decay, it is expected to disrupt the last 129 amino acid(s) of the PYCR1 protein. This variant is present in population databases (no rsID available, gnomAD 0.001%). This variant has not been reported in the literature in individuals affected with PYCR1-related conditions. ClinVar contains an entry for this variant (Variation ID: 2082773). This variant disrupts a region of the PYCR1 protein in which other variant(s) (p.Arg266Gln) have been determined to be pathogenic (PMID: 19576563, 19648921). This suggests that this is a clinically significant region of the protein, and that variants that disrupt it are likely to be disease-causing. For these reasons, this variant has been classified as Pathogenic.

Blueprint Genetics
Classification: Uncertain significance. Last evaluated: 2022-02-07. Review status: criteria provided, single submitter. Criteria: ACMG Guidelines, 2015. Collection method: clinical testing. Allele origin: germline.

Literature cited by the submitters: PubMed 19576563 (cited by Labcorp Genetics (formerly Invitae), Labcorp); PubMed 19648921 (cited by Labcorp Genetics (formerly Invitae), Labcorp).

NM_006907.4(PYCR1):c.570_571insA (p.Gly191fs)

Gene: PYCR1 (pyrroline-5-carboxylate reductase 1; minus strand). Cytogenetic location: 17q25.3.
Variant type: Insertion.
Coding change: c.570_571insA on transcript NM_006907.4 (MANE Select); coding-DNA positions 570 to 571, A inserted.
Protein change: p.Gly191fs; shifts the reading frame from glycine 191.
Molecular consequence: frameshift variant. On other transcripts: intron variant (1).
Genome position: GRCh38 VCF-style: chr17-81934715-C-CT. GRCh37 (hg19) VCF-style: chr17-79892591-C-CT.
Other names: c.570_571insA, p.Gly191fs (NM_001282280.2, NM_001330523.2, NM_153824.3); c.651_652insA, p.Gly218fs (NM_001282281.2); c.540+210_540+211insA (NM_001282279.2); short protein forms G218fs, G191fs.
Identifiers: ClinVar variation 2082773 (VCV002082773.4), dbSNP rs1262346237, ClinGen allele CA628024638.